The following is an entry in ClinVar:

NM_024675.4(PALB2):c.2587-25A>G

Gene: PALB2 (partner and localizer of BRCA2; minus strand). Cytogenetic location: 16p12.2.
Variant type: single nucleotide variant.
Coding change: c.2587-25A>G on transcript NM_024675.4 (MANE Select); 25 bases into the intron before coding-DNA position 2587, A replaced by G.
Molecular consequence: intron variant.
Genome position (GRCh38, 1-based): chr16:23,626,422, T>C on the plus strand (A>G on the coding strand, the complement: PALB2 is on the minus strand). VCF-style: chr16-23626422-T-C. GRCh37 (hg19) VCF-style: chr16-23637743-T-C.
Identifiers: ClinVar variation 830174 (VCV000830174.2), dbSNP rs772989395, ClinGen allele CA7963521.

ClinVar aggregate classification (germline): Uncertain significance (0 of 4 stars; one submission).

Conditions:
Familial cancer of breast. Also called: BREAST CANCER, FAMILIAL; Hereditary breast cancer; hereditary breast carcinoma. Identifiers: Orphanet 227535, MedGen C0346153, MONDO:0016419, OMIM 114480. Disease mechanism: loss of function.

Allele frequency attached by ClinVar (database versions not stated): ExAC 0.00001; gnomAD exomes 0.00001.
gnomAD v4.1: 10 of 1,614,048 alleles (0.00062%); highest among the groups gnomAD compares: Non-Finnish European, 0.00085%; no homozygotes.

Submission:

Leiden Open Variation Database
Classification: Uncertain significance for Familial cancer of breast. Last evaluated: 2019-05-13. Review status: no assertion criteria provided. Collection method: curation. Allele origin: germline. Affected: yes.
Comment: Curators: Marc Tischkowitz, Arleen D. Auerbach. Submitter to LOVD: Marc Tischkowitz.

Literature cited by the submitters: PubMed 24556926.